The following is an entry in ClinVar:

ClinVar aggregate classification (germline): Uncertain significance. Review status: criteria provided, multiple submitters, no conflicts (2 of 4 stars). 2 submissions from 2 submitters: Uncertain significance (2). Last evaluated 2025-06-26.

Conditions:
Inborn genetic diseases. Identifiers: MedGen C0950123, MeSH D030342.

Allele frequency attached by ClinVar (database versions not stated): TOPMed below 0.00001; gnomAD exomes 0.00001 and 0.00003; ExAC 0.00003.
gnomAD v4.1: 7 of 1,614,080 alleles (0.00043%); highest among the groups gnomAD compares: Admixed American, 0.012%; no homozygotes.

Submissions (2):

Labcorp Genetics (formerly Invitae), Labcorp
Classification: Uncertain significance. Last evaluated: 2025-06-26. Review status: criteria provided, single submitter. Criteria: Invitae Variant Classification Sherloc (09022015). Collection method: clinical testing. Allele origin: germline.
Comment: This sequence change replaces asparagine, which is neutral and polar, with lysine, which is basic and polar, at codon 34 of the NCSTN protein (p.Asn34Lys). This variant is present in population databases (rs758241361, gnomAD 0.02%). This variant has not been reported in the literature in individuals affected with NCSTN-related conditions. ClinVar contains an entry for this variant (Variation ID: 1353522). Invitae Evidence Modeling of protein sequence and biophysical properties (such as structural, functional, and spatial information, amino acid conservation, physicochemical variation, residue mobility, and thermodynamic stability) indicates that this missense variant is not expected to disrupt NCSTN protein function with a negative predictive value of 80%. In summary, the available evidence is currently insufficient to determine the role of this variant in disease. Therefore, it has been classified as a Variant of Uncertain Significance.

Ambry Genetics
Classification: Uncertain significance for Inborn genetic diseases. Last evaluated: 2025-04-28. Review status: criteria provided, single submitter. Criteria: Ambry Variant Classification Scheme 2023. Collection method: clinical testing. Allele origin: germline.

NM_015331.3(NCSTN):c.102C>G (p.Asn34Lys)

Gene: NCSTN (nicastrin; plus strand). Cytogenetic location: 1q23.2.
Variant type: single nucleotide variant.
Coding change: c.102C>G on transcript NM_015331.3 (MANE Select); coding-DNA position 102, C replaced by G.
Protein change: p.Asn34Lys; replaces asparagine 34 with lysine.
Molecular consequence: missense variant.
Genome position (GRCh38, 1-based): chr1:160,344,738, C>G. VCF-style: chr1-160344738-C-G. GRCh37 (hg19) VCF-style: chr1-160314528-C-G.
Other names: c.42C>G, p.Asn14Lys (NM_001290184.2); c.102C>G, p.Asn34Lys (NM_001290186.2, NM_001349729.2); c.102C>G (NM_015331.2); short protein forms N14K, N34K.
Identifiers: ClinVar variation 1353522 (VCV001353522.10), dbSNP rs758241361, ClinGen allele CA1198602.
Genomic context (GRCh38, chr1:160,344,738, plus strand): 5'-CTGTGTCTCTCAAATTTTTCTAACACTTTTTATCTTCCGATCAGGTTTGTGCAGGGGAAA[C>G]TCAGTGGAGAGGAAGATATATATCCCCTTAAATAAAACAGCTCCCTGTGTTCGCCTGCTC-3'
Protein context (NP_056146.1, residues 24-44): CVLLAGLCRG[Asn34Lys]SVERKIYIPL